The following is an entry in ClinVar:

ClinVar aggregate classification (germline): Uncertain significance. Review status: criteria provided, multiple submitters, no conflicts (2 of 4 stars). 2 submissions from 2 submitters: Uncertain significance (2). Last evaluated 2025-01-06.

gnomAD v4.1: 54 of 1,613,858 alleles (0.0033%); highest among the groups gnomAD compares: Middle Eastern, 0.016%; no homozygotes.

Submissions (2):

Labcorp Genetics (formerly Invitae), Labcorp
Classification: Uncertain significance. Last evaluated: 2025-01-06. Review status: criteria provided, single submitter. Criteria: Invitae Variant Classification Sherloc (09022015). Collection method: clinical testing. Allele origin: germline.
Comment: This sequence change replaces alanine, which is neutral and non-polar, with threonine, which is neutral and polar, at codon 359 of the SNX14 protein (p.Ala359Thr). This variant is present in population databases (rs146849758, gnomAD 0.04%). This variant has not been reported in the literature in individuals affected with SNX14-related conditions. ClinVar contains an entry for this variant (Variation ID: 1315055). Invitae Evidence Modeling of protein sequence and biophysical properties (such as structural, functional, and spatial information, amino acid conservation, physicochemical variation, residue mobility, and thermodynamic stability) has been performed for this missense variant. However, the output from this modeling did not meet the statistical confidence thresholds required to predict the impact of this variant on SNX14 protein function. In summary, the available evidence is currently insufficient to determine the role of this variant in disease. Therefore, it has been classified as a Variant of Uncertain Significance.

GeneDx
Classification: Uncertain significance. Last evaluated: 2020-02-10. Review status: criteria provided, single submitter. Criteria: GeneDx Variant Classification Process June 2021. Collection method: clinical testing. Allele origin: germline. Affected: yes.
Comment: Has not been previously published as pathogenic or benign to our knowledge; In silico analysis supports that this missense variant does not alter protein structure/function

NM_153816.6(SNX14):c.1075G>A (p.Ala359Thr)

Gene: SNX14 (sorting nexin 14; minus strand). Cytogenetic location: 6q14.3.
Variant type: single nucleotide variant.
Coding change: c.1075G>A on transcript NM_153816.6 (MANE Select); coding-DNA position 1075, G replaced by A.
Protein change: p.Ala359Thr; replaces alanine 359 with threonine.
Molecular consequence: missense variant. On other transcripts: 5 prime UTR variant (6), non-coding transcript variant (6).
Genome position (GRCh38, 1-based): chr6:85,547,145, C>T on the plus strand (G>A on the coding strand, the complement: SNX14 is on the minus strand). VCF-style: chr6-85547145-C-T. GRCh37 (hg19) VCF-style: chr6-86256863-C-T.
Other names: c.1075G>A, p.Ala359Thr (NM_001297614.3, NM_001350540.2, NM_001350541.2); c.919G>A, p.Ala307Thr (NM_001304479.2); c.1138G>A, p.Ala380Thr (NM_001350532.2); c.1072G>A, p.Ala358Thr (NM_001350533.2, NM_001350534.2, NM_001350535.2); c.943G>A, p.Ala315Thr (NM_001350536.2, NM_020468.6); c.940G>A, p.Ala314Thr (NM_001350537.2); c.931G>A, p.Ala311Thr (NM_001350538.2); c.916G>A, p.Ala306Thr (NM_001350539.2); and 7 more; short protein forms A211T, A259T, A262T, A263T, A306T, A307T, A311T, A314T.
Identifiers: ClinVar variation 1315055 (VCV001315055.6), dbSNP rs146849758, ClinGen allele CA3912230.
Genomic context (GRCh38, chr6:85,547,145, plus strand): 5'-TTCGTAAAATACACAGGTAAGCCTCACCCACAGTCAAACAAAACTGCAACACGTGCACTG[C>T]GCCTTCTTGTTTCAGAAAGTTCATAAAACGAAATAAAAGATCTTGTTGCTCTCTGATTTG-3'
Protein context (NP_722523.1, residues 349-369): RFMNFLKQEG[Ala359Thr]VHVLQFCLTV